The following is an entry in ClinVar:

ClinVar aggregate classification (germline): Likely benign. Review status: criteria provided, multiple submitters, no conflicts (2 of 4 stars). 3 submissions from 3 submitters: Likely benign (3). Last evaluated 2026-05-01.

Conditions:
Inborn genetic diseases. Identifiers: MedGen C0950123, MeSH D030342.

gnomAD v4.1: 62 of 1,614,046 alleles (0.0038%); highest among the groups gnomAD compares: Middle Eastern, 0.033%; no homozygotes.

Submissions (3):

CeGaT Center for Human Genetics Tuebingen
Classification: Likely benign. Last evaluated: 2026-05-01. Review status: criteria provided, single submitter. Criteria: CeGaT Center For Human Genetics Tuebingen Variant Classification Criteria Version 2. Collection method: clinical testing. Allele origin: germline. Affected: yes. Observed: 1 variant allele.
Comment: MYO5A: BP4, BP7

Blueprint Genetics
Classification: Likely benign. Last evaluated: 2024-10-29. Review status: criteria provided, single submitter. Criteria: ACMG Guidelines, 2015. Collection method: clinical testing. Allele origin: germline.

Ambry Genetics
Classification: Likely benign for Inborn genetic diseases. Last evaluated: 2024-03-29. Review status: criteria provided, single submitter. Criteria: Ambry Variant Classification Scheme 2023. Collection method: clinical testing. Allele origin: germline.

NM_001382347.1(MYO5A):c.3768C>T (p.Ser1256=)

Gene: MYO5A (myosin VA; minus strand). Cytogenetic location: 15q21.2.
Variant type: single nucleotide variant.
Coding change: c.3768C>T on transcript NM_001382347.1 (MANE Select); coding-DNA position 3768, C replaced by T.
Protein change: p.Ser1256=; no amino-acid change (serine 1256 retained).
Molecular consequence: synonymous variant.
Genome position (GRCh38, 1-based): chr15:52,351,335, G>A on the plus strand (C>T on the coding strand, the complement: MYO5A is on the minus strand). VCF-style: chr15-52351335-G-A. GRCh37 (hg19) VCF-style: chr15-52643532-G-A.
Other names: c.3768C>T, p.Ser1256= (NM_000259.3, NM_001142495.2, NM_001411135.1); c.3840C>T, p.Ser1280= (NM_001382348.1, NM_001382349.1).
Identifiers: ClinVar variation 3297873 (VCV003297873.4).